The following is an entry in ClinVar:

NM_006147.4(IRF6):c.805G>A (p.Val269Ile)

Gene: IRF6 (interferon regulatory factor 6; minus strand). Cytogenetic location: 1q32.2.
Variant type: single nucleotide variant.
Coding change: c.805G>A on transcript NM_006147.4 (MANE Select); coding-DNA position 805, G replaced by A.
Protein change: p.Val269Ile; replaces valine 269 with isoleucine.
Molecular consequence: missense variant.
Genome position (GRCh38, 1-based): chr1:209,790,750, C>T on the plus strand (G>A on the coding strand, the complement: IRF6 is on the minus strand). VCF-style: chr1-209790750-C-T. GRCh37 (hg19) VCF-style: chr1-209964095-C-T.
Other names: c.520G>A, p.Val174Ile (NM_001206696.2); short protein forms V174I, V269I.
Identifiers: ClinVar variation 2925270 (VCV002925270.3), dbSNP rs112435119, ClinGen allele CA1377243.
Genomic context (GRCh38, chr1:209,790,750, plus strand): 5'-GCTTCTGCTTCTCATTGGTAATATGCTCAGGACCTGGGAATTTGACCTGCTCCAGGCTGA[C>T]GGGACCAAAGAGCTCCTCCTGGTCAGGCATGGGACCCAGGTCCCCATAGAAGAGTCGGCA-3'
Protein context (NP_006138.1, residues 259-279): MPDQEELFGP[Val269Ile]SLEQVKFPGP

ClinVar aggregate classification (germline): Uncertain significance (1 of 4 stars; one submission).

Conditions:
Popliteal pterygium syndrome (PPS). Identifiers: Orphanet 294963, MedGen C0265259, MONDO:0017435.
Van der Woude syndrome. Identifiers: Orphanet 888, MedGen C0175697, MONDO:0019508.
Orofacial cleft 6, susceptibility to (OFC6). Also called: CLEFT LIP WITH OR WITHOUT CLEFT PALATE, NONSYNDROMIC, 6. Identifiers: MedGen C1837213, MONDO:0012141, OMIM 608864.

Allele frequency attached by ClinVar (database versions not stated): gnomAD exomes 0.00001; TOPMed 0.00004; ExAC 0.00005; gnomAD 0.00007; ESP Exome Variant Server 0.00015; 1000 Genomes Project 30x 0.00031; 1000 Genomes Project 0.00040.

Submission:

Labcorp Genetics (formerly Invitae), Labcorp
Classification: Uncertain significance for Orofacial cleft 6, susceptibility to; Van der Woude syndrome; Popliteal pterygium syndrome. Last evaluated: 2023-10-13. Review status: criteria provided, single submitter. Criteria: Invitae Variant Classification Sherloc (09022015). Collection method: clinical testing. Allele origin: germline.
Comment: This sequence change replaces valine, which is neutral and non-polar, with isoleucine, which is neutral and non-polar, at codon 269 of the IRF6 protein (p.Val269Ile). This variant is present in population databases (rs112435119, gnomAD 0.008%). This missense change has been observed in individual(s) with orofacial cleft (PMID: 26346622). Advanced modeling of protein sequence and biophysical properties (such as structural, functional, and spatial information, amino acid conservation, physicochemical variation, residue mobility, and thermodynamic stability) performed at Invitae indicates that this missense variant is not expected to disrupt IRF6 protein function. In summary, the available evidence is currently insufficient to determine the role of this variant in disease. Therefore, it has been classified as a Variant of Uncertain Significance.

Literature cited by the submitters: PubMed 26346622.